The following is an entry in ClinVar:

NM_182961.4(SYNE1):c.16785C>T (p.Ser5595=)

Genes: SYNE1 (spectrin repeat containing nuclear envelope protein 1; minus strand), LOC126859837 (BRD4-independent group 4 enhancer GRCh37_chr6:152630775-152631974; plus strand). Cytogenetic location: 6q25.2.
Variant type: single nucleotide variant.
Coding change: c.16785C>T on transcript NM_182961.4 (MANE Select); coding-DNA position 16785, C replaced by T.
Protein change: p.Ser5595=; no amino-acid change (serine 5595 retained).
Molecular consequence: synonymous variant.
Genome position (GRCh38, 1-based): chr6:152,310,799, G>A on the plus strand (C>T on the coding strand, the complement: SYNE1 is on the minus strand). VCF-style: chr6-152310799-G-A. GRCh37 (hg19) VCF-style: chr6-152631934-G-A.
Other names: c.16572C>T, p.Ser5524= (NM_033071.5); c.16785C>T (NM_182961.2).
Identifiers: ClinVar variation 952080 (VCV000952080.9), dbSNP rs142010074, ClinGen allele CA4055430.

ClinVar aggregate classification (germline): Likely benign. Review status: criteria provided, multiple submitters, no conflicts (2 of 4 stars). 2 submissions from 2 submitters: Likely benign (2). Last evaluated 2025-08-28.

Conditions:
Autosomal recessive ataxia, Beauce type. Also called: Spinocerebellar ataxia, autosomal recessive 8; ATAXIA, RECESSIVE, OF BEAUCE; SYNE1-Related Autosomal Recessive Cerebellar Ataxia; SYNE1 Deficiency. Identifiers: Orphanet 88644, MedGen C1853116, MONDO:0012549, OMIM 610743.
Emery-Dreifuss muscular dystrophy 4, autosomal dominant (EDMD4). Also called: EMERY-DREIFUSS MUSCULAR DYSTROPHY 4 WITH VARIABLE FEATURES. Identifiers: Orphanet 261, MedGen C2751807, MONDO:0013071, OMIM 612998.

Allele frequency attached by ClinVar (database versions not stated): ESP Exome Variant Server 0.00015; gnomAD 0.00001; TOPMed 0.00002; gnomAD exomes 0.00004; ExAC 0.00005.
gnomAD v4.1: 35 of 1,613,840 alleles (0.0022%); highest among the groups gnomAD compares: Admixed American, 0.0067%; no homozygotes.

Submissions (2):

Athena Diagnostics
Classification: Likely benign. Last evaluated: 2025-08-28. Review status: criteria provided, single submitter. Criteria: Athena Diagnostics Criteria. Collection method: clinical testing. Allele origin: unknown.
Comment: Computational tools yielded predictions that this variant is unlikely to have an effect on normal RNA splicing. This nucleotide position exhibits low evolutionary conservation.

Labcorp Genetics (formerly Invitae), Labcorp
Classification: Likely benign for Emery-Dreifuss muscular dystrophy 4, autosomal dominant; Autosomal recessive ataxia, Beauce type. Last evaluated: 2025-05-11. Review status: criteria provided, single submitter. Criteria: Invitae Variant Classification Sherloc (09022015). Collection method: clinical testing. Allele origin: germline.